The following is an entry in ClinVar:

NM_005554.4(KRT6A):c.1206C>T (p.Cys402=)

Gene: KRT6A (keratin 6A; minus strand). Cytogenetic location: 12q13.13.
Variant type: single nucleotide variant.
Coding change: c.1206C>T on transcript NM_005554.4 (MANE Select); coding-DNA position 1206, C replaced by T.
Protein change: p.Cys402=; no amino-acid change (cysteine 402 retained).
Molecular consequence: synonymous variant.
Genome position (GRCh38, 1-based): chr12:52,488,546, G>A on the plus strand (C>T on the coding strand, the complement: KRT6A is on the minus strand). VCF-style: chr12-52488546-G-A. GRCh37 (hg19) VCF-style: chr12-52882330-G-A.
Identifiers: ClinVar variation 2046246 (VCV002046246.29), dbSNP rs768888133, ClinGen allele CA6581918.

ClinVar aggregate classification (germline): Benign/Likely benign. Review status: criteria provided, multiple submitters, no conflicts (2 of 4 stars). 3 submissions from 3 submitters: Benign (1); Likely benign (2). Last evaluated 2025-10-01.

Allele frequency attached by ClinVar (database versions not stated): ExAC 0.00053; gnomAD 0.00140; 1000 Genomes Project 30x 0.00234.
gnomAD v4.1: 751 of 1,613,706 alleles (0.047%); highest among the groups gnomAD compares: Admixed American, 0.21%; 2 homozygotes.

Submissions (3):

Labcorp Genetics (formerly Invitae), Labcorp
Classification: Benign. Last evaluated: 2025-10-01. Review status: criteria provided, single submitter. Criteria: Invitae Variant Classification Sherloc (09022015). Collection method: clinical testing. Allele origin: germline.

Blueprint Genetics
Classification: Likely benign. Last evaluated: 2024-10-16. Review status: criteria provided, single submitter. Criteria: ACMG Guidelines, 2015. Collection method: clinical testing. Allele origin: germline.

CeGaT Center for Human Genetics Tuebingen
Classification: Likely benign. Last evaluated: 2023-04-01. Review status: criteria provided, single submitter. Criteria: CeGaT Center For Human Genetics Tuebingen Variant Classification Criteria Version 2. Collection method: clinical testing. Allele origin: germline. Affected: yes. Observed: 1 variant allele.
Comment: KRT6A: BP4, BP7